The following is an entry in ClinVar:

NM_000256.3(MYBPC3):c.1618G>C (p.Val540Leu)

Gene: MYBPC3 (myosin binding protein C3; minus strand). Cytogenetic location: 11p11.2.
Variant type: single nucleotide variant.
Coding change: c.1618G>C on transcript NM_000256.3 (MANE Select); coding-DNA position 1618, G replaced by C.
Protein change: p.Val540Leu; replaces valine 540 with leucine.
Molecular consequence: missense variant.
Genome position (GRCh38, 1-based): chr11:47,342,584, C>G on the plus strand (G>C on the coding strand, the complement: MYBPC3 is on the minus strand). VCF-style: chr11-47342584-C-G. GRCh37 (hg19) VCF-style: chr11-47364135-C-G.
Other names: short protein forms V540L.
Identifiers: ClinVar variation 3075044 (VCV003075044.2), dbSNP rs1454520902, ClinGen allele CA380324992.

ClinVar aggregate classification (germline): Uncertain significance (1 of 4 stars; one submission).

Conditions:
Hypertrophic cardiomyopathy. Also called: HYPERTROPHIC MYOCARDIOPATHY. Identifiers: Orphanet 217569, MedGen C0007194, MeSH D002312, MONDO:0005045, HP:0001639.

gnomAD v4.1: 1 of 1,600,228 alleles (0.000062%); highest among the groups gnomAD compares: Admixed American, 0.0017%; no homozygotes.

Submission:

All of Us Research Program, National Institutes of Health
Classification: Uncertain significance for Hypertrophic cardiomyopathy. Last evaluated: 2024-06-11. Review status: criteria provided, single submitter. Criteria: ACMG Guidelines, 2015. Collection method: clinical testing. Allele origin: germline. Inheritance: Autosomal dominant inheritance. Observed: 2 variant alleles, 2 heterozygotes.
Comment: This missense variant replaces valine with leucine at codon 540 of the MYBPC3 protein. Computational prediction tools indicate that this variant has a deleterious impact on protein structure and function. To our knowledge, functional studies have not been reported for this variant. This variant has not been reported in individuals affected with MYBPC3-related disorders in the literature. This variant has been identified in 1/236294 chromosomes in the general population by the Genome Aggregation Database (gnomAD). The available evidence is insufficient to determine the role of this variant in disease conclusively. Therefore, this variant is classified as a Variant of Uncertain Significance.

This study involves interpretation of variants in research participants for the purpose of population health screening. Participant phenotype was not available at the time of variant classification. Additional details can be found in publication PMID: 35346344, PMCID: PMC8962531